The following is an entry in ClinVar:

NM_001385012.1(NBEA):c.6736A>G (p.Thr2246Ala)

Gene: NBEA (neurobeachin; plus strand). Cytogenetic location: 13q13.3.
Variant type: single nucleotide variant.
Coding change: c.6736A>G on transcript NM_001385012.1 (MANE Select); coding-DNA position 6736, A replaced by G.
Protein change: p.Thr2246Ala; replaces threonine 2246 with alanine.
Molecular consequence: missense variant.
Genome position (GRCh38, 1-based): chr13:35,550,962, A>G. VCF-style: chr13-35550962-A-G. GRCh37 (hg19) VCF-style: chr13-36125099-A-G.
Other names: c.115A>G, p.Thr39Ala (NM_001204197.3); c.6727A>G, p.Thr2243Ala (NM_001379245.1); c.6736A>G, p.Thr2246Ala (NM_015678.5); short protein forms T2243A, T2246A, T39A.
Identifiers: ClinVar variation 3371336 (VCV003371336.1).
Genomic context (GRCh38, chr13:35,550,962, plus strand): 5'-AACTCTGTTTTTTTTCTTCTTACCACAGCCTCAGTTATGTTTAATTTCCCTGATCAAGCA[A>G]CAGTAAAAAAAGTTGTCTATAGCTTGCCTCGGGTTGGAGTAGGGACCAGCTATGGTCTGC-3'
Protein context (NP_001371941.1, residues 2236-2256): SVMFNFPDQA[Thr2246Ala]VKKVVYSLPR

ClinVar aggregate classification (germline): Uncertain significance (1 of 4 stars; one submission).

Submission:

GeneDx
Classification: Uncertain significance. Last evaluated: 2024-03-26. Review status: criteria provided, single submitter. Criteria: GeneDx Variant Classification Process June 2021. Collection method: clinical testing. Allele origin: germline. Affected: yes.
Comment: Not observed at significant frequency in large population cohorts (gnomAD); In silico analysis supports that this missense variant has a deleterious effect on protein structure/function; Has not been previously published as pathogenic or benign to our knowledge